The following is an entry in ClinVar:

ClinVar aggregate classification (germline): Uncertain significance (1 of 4 stars; one submission).

Conditions:
Aicardi-Goutieres syndrome 2. Identifiers: Orphanet 51, MedGen C3489724, MONDO:0012429, OMIM 610181.

Submission:

Labcorp Genetics (formerly Invitae), Labcorp
Classification: Uncertain significance for Aicardi-Goutieres syndrome 2. Last evaluated: 2022-06-09. Review status: criteria provided, single submitter. Criteria: Invitae Variant Classification Sherloc (09022015). Collection method: clinical testing. Allele origin: germline.
Comment: In summary, the available evidence is currently insufficient to determine the role of this variant in disease. Therefore, it has been classified as a Variant of Uncertain Significance. Algorithms developed to predict the effect of missense changes on protein structure and function are either unavailable or do not agree on the potential impact of this missense change (SIFT: "Deleterious"; PolyPhen-2: "Benign"; Align-GVGD: "Class C25"). This variant has not been reported in the literature in individuals affected with RNASEH2B-related conditions. This variant is not present in population databases (gnomAD no frequency). This sequence change replaces tyrosine, which is neutral and polar, with cysteine, which is neutral and slightly polar, at codon 156 of the RNASEH2B protein (p.Tyr156Cys).

NM_024570.4(RNASEH2B):c.467A>G (p.Tyr156Cys)

Gene: RNASEH2B (ribonuclease H2 subunit B; plus strand). Cytogenetic location: 13q14.3.
Variant type: single nucleotide variant.
Coding change: c.467A>G on transcript NM_024570.4 (MANE Select); coding-DNA position 467, A replaced by G.
Protein change: p.Tyr156Cys; replaces tyrosine 156 with cysteine.
Molecular consequence: missense variant.
Genome position (GRCh38, 1-based): chr13:50,943,351, A>G. VCF-style: chr13-50943351-A-G. GRCh37 (hg19) VCF-style: chr13-51517487-A-G.
Other names: c.467A>G, p.Tyr156Cys (NM_001142279.2, NM_001411023.1); short protein forms Y156C.
Identifiers: ClinVar variation 2003907 (VCV002003907.4), dbSNP rs2541522305, ClinGen allele CA388259425.